The following is an entry in ClinVar:

ClinVar aggregate classification (germline): Uncertain significance (1 of 4 stars; one submission).

Conditions:
Neurodevelopmental disorder with microcephaly and structural brain anomalies. Identifiers: Orphanet 699844, MedGen C5193123, MONDO:0032779, OMIM 618492.

gnomAD v4.1: 7 of 1,609,450 alleles (0.00043%); highest among the groups gnomAD compares: African/African-American, 0.0094%; no homozygotes.

Submission:

Baylor Genetics
Classification: Uncertain significance for Neurodevelopmental disorder with microcephaly and structural brain anomalies. Last evaluated: 2020-02-19. Review status: criteria provided, single submitter. Criteria: ACMG Guidelines, 2015. Collection method: clinical testing. Allele origin: unknown. Affected: yes.
Comment: This variant was determined to be of uncertain significance according to ACMG Guidelines, 2015 [PMID:25741868].

NM_001378.3(DYNC1I2):c.1546C>A (p.Pro516Thr)

Gene: DYNC1I2 (dynein cytoplasmic 1 intermediate chain 2; plus strand). Cytogenetic location: 2q31.1.
Variant type: single nucleotide variant.
Coding change: c.1546C>A on transcript NM_001378.3 (MANE Select); coding-DNA position 1546, C replaced by A.
Protein change: p.Pro516Thr; replaces proline 516 with threonine.
Molecular consequence: missense variant.
Genome position (GRCh38, 1-based): chr2:171,744,058, C>A. VCF-style: chr2-171744058-C-A. GRCh37 (hg19) VCF-style: chr2-172600568-C-A.
Other names: c.1546C>A, p.Pro516Thr (NM_001271785.2); c.1522C>A, p.Pro508Thr (NM_001271786.2, NM_001271787.2); c.1468C>A, p.Pro490Thr (NM_001271788.2, NM_001271789.2, NM_001271790.2 and 1 more transcripts); c.1528C>A, p.Pro510Thr (NM_001320882.2, NM_001320883.2, NM_001378455.1 and 1 more transcripts); short protein forms P490T, P510T, P508T, P516T.
Identifiers: ClinVar variation 1029274 (VCV001029274.1), dbSNP rs767705533, ClinGen allele CA349284990.